The following is an entry in ClinVar:

NM_001394062.1(MACF1):c.3659dup (p.Val1221fs)

Gene: MACF1 (microtubule actin crosslinking factor 1; plus strand). Cytogenetic location: 1p34.3.
Variant type: Duplication.
Coding change: c.3659dup on transcript NM_001394062.1 (MANE Select); coding-DNA position 3659, one base duplicated (A; older notation c.3659dupA).
Protein change: p.Val1221fs; shifts the reading frame from valine 1221.
Molecular consequence: frameshift variant.
Genome position (GRCh38, 1-based): chr1:39,317,284, A duplicated; the last of 2 consecutive A bases (chr1:39,317,283-39,317,284); duplicating either gives the same sequence. VCF-style (leftmost placement, unchanged base first): chr1-39317282-C-CA. GRCh37 (hg19) VCF-style: chr1-39782954-C-CA.
Other names: c.3674dup, p.Val1226fs (NM_012090.5); short protein forms V1221fs, V1226fs.
Identifiers: ClinVar variation 3373754 (VCV003373754.1).
Genomic context (GRCh38, chr1:39,317,282, plus strand): 5'-TAGTGATGTGAAGGACAAGAATTCAGTGTTTTCAGTCCTGGATGAGGAAATTGCCAAGGC[C>CA]AAGGTAGTGGCAGAGCAGATGAGTCGTCTGACACCAGAGCGAAATCTGGATTTGGAGCGC-3'

ClinVar aggregate classification (germline): Uncertain significance (1 of 4 stars; one submission).

Submission:

GeneDx
Classification: Uncertain significance. Last evaluated: 2024-03-12. Review status: criteria provided, single submitter. Criteria: GeneDx Variant Classification Process June 2021. Collection method: clinical testing. Allele origin: germline. Affected: yes.
Comment: Not observed at significant frequency in large population cohorts (gnomAD); Frameshift variant predicted to result in protein truncation or nonsense mediated decay in a gene or region of a gene for which loss of function is not a well-established mechanism of disease; Has not been previously published as pathogenic or benign to our knowledge